The following is an entry in ClinVar:

ClinVar aggregate classification (germline): Benign/Likely benign. Review status: criteria provided, multiple submitters, no conflicts (2 of 4 stars). 3 submissions from 3 submitters: Benign (2); Likely benign (1). Last evaluated 2026-01-19.

Allele frequency attached by ClinVar (database versions not stated): ESP Exome Variant Server 0.00069; gnomAD exomes 0.00182; ExAC 0.00546.

Submissions (3):

Labcorp Genetics (formerly Invitae), Labcorp
Classification: Benign. Last evaluated: 2026-01-19. Review status: criteria provided, single submitter. Criteria: Invitae Variant Classification Sherloc (09022015). Collection method: clinical testing. Allele origin: germline.

Mayo Clinic Laboratories, Mayo Clinic
Classification: Benign. Last evaluated: 2024-12-13. Review status: criteria provided, single submitter. Criteria: ACMG Guidelines, 2015. Collection method: clinical testing. Allele origin: germline. Observed: 18 variant alleles.
Comment: BS1, BS2, BP4, BP7

Blueprint Genetics
Classification: Likely benign. Last evaluated: 2024-11-26. Review status: criteria provided, single submitter. Criteria: ACMG Guidelines, 2015. Collection method: clinical testing. Allele origin: germline.

NM_018116.4(MSTO1):c.679-5T>C

Gene: MSTO1 (misato mitochondrial distribution and morphology regulator 1; plus strand). Cytogenetic location: 1q22.
Variant type: single nucleotide variant.
Coding change: c.679-5T>C on transcript NM_018116.4 (MANE Select); 5 bases into the intron before coding-DNA position 679, T replaced by C.
Molecular consequence: intron variant.
Genome position (GRCh38, 1-based): chr1:155,612,177, T>C. VCF-style: chr1-155612177-T-C. GRCh37 (hg19) VCF-style: chr1-155581968-T-C.
Other names: p.?; c.148-5T>C (NM_001350779.1, NM_001350778.1, NM_001350777.1); c.136-5T>C (NM_001350784.1, NM_001350785.1, NM_001350789.1 and 1 more transcripts); c.145-5T>C (NM_001350781.1, NM_001350786.1, NM_001350788.1 and 3 more transcripts); c.514-5T>C (NM_001350776.1); c.679-5T>C (NM_001350773.1, NM_001350774.1, NM_001350775.1 and 4 more transcripts).
Identifiers: ClinVar variation 1608401 (VCV001608401.10), dbSNP rs470548, ClinGen allele CA1147985.